The following is an entry in ClinVar:

NM_005076.5(CNTN2):c.2196G>T (p.Thr732=)

Gene: CNTN2 (contactin 2; plus strand). Cytogenetic location: 1q32.1.
Variant type: single nucleotide variant.
Coding change: c.2196G>T on transcript NM_005076.5 (MANE Select); coding-DNA position 2196, G replaced by T.
Protein change: p.Thr732=; no amino-acid change (threonine 732 retained).
Molecular consequence: synonymous variant. On other transcripts: non-coding transcript variant (1).
Genome position (GRCh38, 1-based): chr1:205,069,561, G>T. VCF-style: chr1-205069561-G-T. GRCh37 (hg19) VCF-style: chr1-205038689-G-T.
Other names: c.2196G>T, p.Thr732= (NM_001346083.2).
Identifiers: ClinVar variation 1450175 (VCV001450175.6), dbSNP rs1396081188, ClinGen allele CA422872428.

ClinVar aggregate classification (germline): Uncertain significance (1 of 4 stars; one submission).

Conditions:
Epilepsy, familial adult myoclonic, 5 (EPEO5). Also called: CORTICAL MYOCLONIC TREMOR WITH EPILEPSY, FAMILIAL, 5. Identifiers: Orphanet 86814, MedGen C3809374, MONDO:0014167, OMIM 615400.

Allele frequency attached by ClinVar (database versions not stated): gnomAD 0.00001.
gnomAD v4.1: 1 of 1,612,646 alleles (0.000062%); highest among the groups gnomAD compares: Non-Finnish European, 0.000085%; no homozygotes.

Submission:

Labcorp Genetics (formerly Invitae), Labcorp
Classification: Uncertain significance for Epilepsy, familial adult myoclonic, 5. Last evaluated: 2022-07-11. Review status: criteria provided, single submitter. Criteria: Invitae Variant Classification Sherloc (09022015). Collection method: clinical testing. Allele origin: germline.
Comment: In summary, the available evidence is currently insufficient to determine the role of this variant in disease. Therefore, it has been classified as a Variant of Uncertain Significance. Variants that disrupt the consensus splice site are a relatively common cause of aberrant splicing (PMID: 17576681, 9536098). Algorithms developed to predict the effect of sequence changes on RNA splicing suggest that this variant may disrupt the consensus splice site. ClinVar contains an entry for this variant (Variation ID: 1450175). This variant has not been reported in the literature in individuals affected with CNTN2-related conditions. This variant is present in population databases (no rsID available, gnomAD 0.007%). This sequence change affects codon 732 of the CNTN2 mRNA. It is a 'silent' change, meaning that it does not change the encoded amino acid sequence of the CNTN2 protein. This variant also falls at the last nucleotide of exon 17, which is part of the consensus splice site for this exon.

Literature cited by the submitters: PubMed 17576681; PubMed 9536098.